The following is an entry in ClinVar:

NM_004247.4(EFTUD2):c.158del (p.Pro53fs)

Gene: EFTUD2 (elongation factor Tu GTP binding domain containing 2; minus strand). Cytogenetic location: 17q21.31.
Variant type: Deletion.
Coding change: c.158del on transcript NM_004247.4 (MANE Select); coding-DNA position 158, one base deleted (C; older notation c.158delC).
Protein change: p.Pro53fs; shifts the reading frame from proline 53.
Molecular consequence: frameshift variant.
Genome position (GRCh38, 1-based): chr17:44,886,698, G deleted on the plus strand (C on the coding strand, the reverse complement: EFTUD2 is on the minus strand); the first of 3 consecutive G bases (chr17:44,886,698-44,886,700); deleting any one gives the same sequence. VCF-style (leftmost placement, unchanged base first): chr17-44886697-AG-A. GRCh37 (hg19) VCF-style: chr17-42964065-AG-A.
Other names: c.53del, p.Pro18fs (NM_001142605.2); c.158del, p.Pro53fs (NM_001258353.2, NM_001258354.2); short protein forms P18fs, P53fs.
Identifiers: ClinVar variation 1431432 (VCV001431432.6), dbSNP rs2145558864, ClinGen allele CA2573153955.
Genomic context (GRCh38, chr17:44,886,697, plus strand): 5'-ATACACCTCCTCGGCTGTTGGGTAGTACTTCTTGTCCTCATGCAGCACCACCTCCATCCC[AG>A]GGTGGTCATCGTCATGATCTCCTACGTCATCGTCGTCGTCATCATCATCCATCTGAAAGC-3'

ClinVar aggregate classification (germline): Pathogenic (1 of 4 stars; one submission).

Submission:

Labcorp Genetics (formerly Invitae), Labcorp
Classification: Pathogenic. Last evaluated: 2022-08-09. Review status: criteria provided, single submitter. Criteria: Invitae Variant Classification Sherloc (09022015). Collection method: clinical testing. Allele origin: germline.
Comment: This sequence change creates a premature translational stop signal (p.Pro53Leufs*28) in the EFTUD2 gene. It is expected to result in an absent or disrupted protein product. Loss-of-function variants in EFTUD2 are known to be pathogenic (PMID: 24999515, 26507355). ClinVar contains an entry for this variant (Variation ID: 1431432). This variant is not present in population databases (gnomAD no frequency). This variant has not been reported in the literature in individuals affected with EFTUD2-related conditions. For these reasons, this variant has been classified as Pathogenic.

Literature cited by the submitters: PubMed 24999515; PubMed 26507355.